The following is an entry in ClinVar:

NM_001378414.1(HDAC4):c.731C>A (p.Thr244Lys)

Gene: HDAC4 (histone deacetylase 4; minus strand). Cytogenetic location: 2q37.3.
Variant type: single nucleotide variant.
Coding change: c.731C>A on transcript NM_001378414.1 (MANE Select); coding-DNA position 731, C replaced by A.
Protein change: p.Thr244Lys; replaces threonine 244 with lysine.
Molecular consequence: missense variant.
Genome position (GRCh38, 1-based): chr2:239,156,654, G>T on the plus strand (C>A on the coding strand, the complement: HDAC4 is on the minus strand). VCF-style: chr2-239156654-G-T. GRCh37 (hg19) VCF-style: chr2-240078350-G-T.
Other names: c.731C>A, p.Thr244Lys (NM_001378415.1, NM_001378416.1, NM_001378417.1 and 1 more transcripts); short protein forms T244K.
Identifiers: ClinVar variation 977487 (VCV000977487.7), dbSNP rs2042442594, ClinGen allele CA351271496.
Genomic context (GRCh38, chr2:239,156,654, plus strand): 5'-GGCGTGGAAGGTGCCCGTGCAGGAGACCTCCCGGCCCACAGCATGCCTGGGCACTGACCT[G>T]TTTTCCTAAGAGGGAAGTCATCTTTGGCGTCGTACATTCCCAGGACCGGGTGGTTATAGG-3'
Protein context (NP_001365343.1, residues 234-254): DAKDDFPLRK[Thr244Lys]ASEPNLKLRS

ClinVar aggregate classification (germline): Pathogenic/Likely pathogenic. Review status: criteria provided, multiple submitters, no conflicts (2 of 4 stars). 3 submissions from 3 submitters: Pathogenic (1); Likely pathogenic (1). 1 of the submissions does not count toward it. Last evaluated 2023-08-01.

Conditions:
HDAC4-related disorder. Also called: HDAC4-related condition.
Neurodevelopmental disorder with central hypotonia and dysmorphic facies (NEDCHF). Identifiers: MedGen C5676944, MONDO:0859232, OMIM 619797.
Severe intellectual disability. Identifiers: MedGen C0036857, HP:0010864.

Submissions (3):

PreventionGenetics, part of Exact Sciences
Classification: Likely pathogenic for HDAC4-related condition. Last evaluated: 2023-08-01. Review status: criteria provided, single submitter. Criteria: ACMG Guidelines, 2015. Collection method: clinical testing. Allele origin: germline.
Comment: The HDAC4 c.731C>A variant is predicted to result in the amino acid substitution p.Thr244Lys. This variant was reported de novo in an individual with developmental delay, seizures, cerebral atrophy and gastrostomy feeding tube (Wakeling et al. 2021. PubMed ID: 33537682). This variant has not been reported in a large population database, indicating this variant is rare. This variant is interpreted as likely pathogenic.

Elsea Laboratory, Baylor College of Medicine
Classification: Pathogenic for Severe intellectual disability. Last evaluated: 2020-08-03. Review status: criteria provided, single submitter. Criteria: ACMG Guidelines, 2015. Collection method: clinical testing. Allele origin: de novo. Inheritance: Autosomal dominant inheritance. Affected: yes. Observed: 1 heterozygote.

OMIM
Classification: Pathogenic for NEURODEVELOPMENTAL DISORDER WITH CENTRAL HYPOTONIA AND DYSMORPHIC FACIES. Last evaluated: 2022-03-18. Review status: no assertion criteria provided. Collection method: literature only. Allele origin: germline. Not counted in ClinVar's aggregate classification.

Literature cited by the submitters: PubMed 33537682 (cited by OMIM).